The following is an entry in ClinVar:

NM_000152.5(GAA):c.1438-1G>T

Gene: GAA (alpha glucosidase; plus strand). Cytogenetic location: 17q25.3.
Variant type: single nucleotide variant.
Coding change: c.1438-1G>T on transcript NM_000152.5 (MANE Select); the canonical splice acceptor site of the intron before coding-DNA position 1438, G replaced by T.
Molecular consequence: splice acceptor variant.
Genome position (GRCh38, 1-based): chr17:80,110,726, G>T. VCF-style: chr17-80110726-G-T. GRCh37 (hg19) VCF-style: chr17-78084525-G-T.
Other names: NM_000152.5:c.1438-1G>T; c.1438-1G>T (NM_001406741.1, NM_001406742.1, NM_001079803.3 and 1 more transcripts).
Identifiers: ClinVar variation 661381 (VCV000661381.29), dbSNP rs147804176, ClinGen allele CA8815346.

ClinVar aggregate classification (germline): Pathogenic/Likely pathogenic. Review status: criteria provided, multiple submitters, no conflicts (2 of 4 stars). 10 submissions from 10 submitters: Pathogenic (6); Likely pathogenic (4). Last evaluated 2026-07-01.

Conditions:
GAA-related disorders.
Glycogen storage disease, type II (IOPD). Also called: Pompe Disease; GLYCOGENOSIS, GENERALIZED, CARDIAC FORM; GSD II; CARDIOMEGALIA GLYCOGENICA DIFFUSA; Glycogen storage disease type 2; Acid maltase deficiency disease. Identifiers: Orphanet 365, MedGen C0017921, MONDO:0009290, OMIM 232300.

Allele frequency attached by ClinVar (database versions not stated): gnomAD exomes below 0.00001; ExAC 0.00002; TOPMed 0.00004; ESP Exome Variant Server 0.00008.
gnomAD v4.1: 21 of 1,613,694 alleles (0.0013%); highest among the groups gnomAD compares: Non-Finnish European, 0.0012%; no homozygotes.

Submissions (10):

Genomenon, Inc
Classification: Pathogenic for Glycogen storage disease, type II. Last evaluated: 2026-07-01. Review status: criteria provided, single submitter. Criteria: Genomenon Sequence Variant Interpretation Standards - Updated. Collection method: curation. Allele origin: germline.
Comment: GAA c.1438-1G>T is a canonical splice variant affecting the acceptor splice site of intron 9. It is predicted to affect mRNA splicing, leading to a deleterious effect on the GAA protein. This variant has been reported in the compound heterozygous and/or homozygous state in an individual without a confirmed diagnosis of Pompe disease (PMID:37087815). It is absent or not present at a significant frequency in gnomAD. In conclusion, we classify GAA c.1438-1G>T as a pathogenic variant.

Labcorp Genetics (formerly Invitae), Labcorp
Classification: Pathogenic for Glycogen storage disease, type II. Last evaluated: 2025-11-06. Review status: criteria provided, single submitter. Criteria: Invitae Variant Classification Sherloc (09022015). Collection method: clinical testing. Allele origin: germline.
Comment: This sequence change affects an acceptor splice site in intron 9 of the GAA gene. It is expected to disrupt RNA splicing. Variants that disrupt the donor or acceptor splice site typically lead to a loss of protein function (PMID: 16199547), and loss-of-function variants in GAA are known to be pathogenic (PMID: 18425781, 22252923). This variant is present in population databases (rs147804176, gnomAD 0.002%). Disruption of this splice site has been observed in individuals with Pompe disease (PMID: 18425781, 22538254, 29122469). ClinVar contains an entry for this variant (Variation ID: 661381). Algorithms developed to predict the effect of sequence changes on RNA splicing suggest that this variant may disrupt the consensus splice site. For these reasons, this variant has been classified as Pathogenic.

Natera, Inc.
Classification: Pathogenic for Glycogen storage disease type II. Last evaluated: 2025-09-19. Review status: criteria provided, single submitter. Criteria: Natera Variant Classification Schema (03/2026). Collection method: clinical testing. Allele origin: germline.
Comment: The c.1438-1G>T variant in GAA is a canonical splice acceptor site variant predicted to affect pre-mRNA splicing, which may result in an abnormal transcript and altered protein product. This variant is expected to result in nonsense mediated decay, truncation, or a dysfunctional protein product. This variant is rare in the general population with a frequency below the threshold expected for the associated phenotype(s). This variant has been observed in one or more individuals affected with the associated recessive disease, as either homozygous or compound heterozygous with a second variant (PMID: 31904026, 37087815). Given the available evidence, this variant is classified as Pathogenic.

Fulgent Genetics
Classification: Likely pathogenic for Glycogen storage disease, type II. Last evaluated: 2024-06-20. Review status: criteria provided, single submitter. Criteria: ACMG Guidelines, 2015. Collection method: clinical testing. Allele origin: germline.

Revvity Omics, Revvity
Classification: Pathogenic. Last evaluated: 2024-03-07. Review status: criteria provided, single submitter. Criteria: ACMG Guidelines, 2015. Collection method: clinical testing. Allele origin: germline.

GeneDx
Classification: Likely pathogenic. Last evaluated: 2023-04-28. Review status: criteria provided, single submitter. Criteria: GeneDx Variant Classification Process June 2021. Collection method: clinical testing. Allele origin: germline. Affected: yes.
Comment: Canonical splice site variant expected to result in aberrant splicing, although in the absence of functional evidence the actual effect of this sequence change is unknown.; Not observed at significant frequency in large population cohorts (gnomAD); This variant is associated with the following publications: (PMID: 25525159, 26582918, 37087815, 18425781)

Blueprint Genetics
Classification: Pathogenic for GAA-related disorders. Last evaluated: 2023-02-02. Review status: criteria provided, single submitter. Criteria: ACMG Guidelines, 2015. Collection method: clinical testing. Allele origin: germline. Affected: yes. Observed: 1 variant allele.

Women's Health and Genetics/Laboratory Corporation of America, LabCorp
Classification: Pathogenic for Glycogen storage disease, type II. Last evaluated: 2022-06-06. Review status: criteria provided, single submitter. Criteria: LabCorp Variant Classification Summary - May 2015. Collection method: clinical testing. Allele origin: germline.
Comment: Variant summary: GAA c.1438-1G>T is located in a canonical splice-site and is predicted to affect mRNA splicing resulting in a significantly altered protein due to either exon skipping, shortening, or inclusion of intronic material. Several computational tools predict a significant impact on normal splicing: Four predict the variant abolishes a 3' acceptor site. Four predict the variant weakens a 5' donor site. The variant allele was found at a frequency of 4e-06 in 250786 control chromosomes. c.1438-1G>T has been reported in the literature in individuals affected with Glycogen Storage Disease, Type 2 (Pompe Disease; examples: Kroos_2008, Banugaria_2011, Desai_2019, Khan_2020). Four clinical diagnostic laboratories have submitted clinical-significance assessments for this variant to ClinVar after 2014 without evidence for independent evaluation. All laboratories classified the variant as pathogenic/likely pathogenic. Based on the evidence outlined above, the variant was classified as pathogenic.

ARUP Laboratories, Molecular Genetics and Genomics, ARUP Laboratories
Classification: Likely pathogenic for Glycogen storage disease, type II. Last evaluated: 2021-03-02. Review status: criteria provided, single submitter. Criteria: ARUP Molecular Germline Variant Investigation Process 2021. Collection method: clinical testing. Allele origin: germline.
Comment: The GAA c.1438-1G>T variant (rs147804176) is reported in the literature in two individuals affected with Pompe disease (Kroos 2008). This variant is found on a single chromosome in the Genome Aggregation Database (1/250786 alleles), indicating it is not a common polymorphism. This variant abolishes the canonical splice acceptor site of intron 9, which is likely to disrupt gene function. Based on available information, this variant is considered to be likely pathogenic. References: Kroos et al. Update of the Pompe disease mutation database with 107 sequence variants and a format for severity rating. Hum Mutat. 2008 Jun;29(6):E13-26.

Broad Center for Mendelian Genomics, Broad Institute of MIT and Harvard
Classification: Likely pathogenic for Glycogen storage disease, type II. Last evaluated: 2020-01-22. Review status: criteria provided, single submitter. Criteria: ACMG Guidelines, 2015. Collection method: curation. Allele origin: germline. Inheritance: Autosomal recessive inheritance.
Comment: The c.1438-1G>T variant in GAA has been reported in two individuals with glycogen storage disease (PMID: 18425781) and has been identified in 0.001% (1/113236) European (non-Finnish) chromosomes by the Genome Aggregation Database (gnomAD; dbSNP rs147804176). Although this variant has been seen in the general population, its frequency is low enough to be consistent with a recessive carrier frequency. This variant occurs in the invariant region (+/- 1/2) of the splice consensus sequence and is predicted to cause altered splicing leading to an abnormal or absent protein. There is an in-frame cryptic splice site 15 bases from the intron-exon boundary, providing evidence that this variant may add 5 amino acids instead of causing loss of function. However, this information is not predictive enough to determine pathogenicity. Loss of function of the GAA gene is an established disease mechanism in autosomal recessive glycogen storage disease. In summary, although additional studies are required to fully establish its clinical significance, this variant is likely pathogenic. ACMG/AMP Criteria applied: PVS1_strong, PM2 (Richards 2015).

Literature cited by the submitters: PubMed 37087815 (cited by Genomenon, Inc and Natera, Inc.); PubMed 16199547 (cited by Labcorp Genetics (formerly Invitae), Labcorp); PubMed 18425781 (cited by Labcorp Genetics (formerly Invitae), Labcorp and Women's Health and Genetics/Laboratory Corporation of America, LabCorp); PubMed 22252923 (cited by Labcorp Genetics (formerly Invitae), Labcorp); PubMed 22538254 (cited by Labcorp Genetics (formerly Invitae), Labcorp); PubMed 29122469 (cited by Labcorp Genetics (formerly Invitae), Labcorp); PubMed 31904026 (cited by Natera, Inc. and Women's Health and Genetics/Laboratory Corporation of America, LabCorp); PubMed 21637107 (cited by Women's Health and Genetics/Laboratory Corporation of America, LabCorp); PubMed 31193175 (cited by Women's Health and Genetics/Laboratory Corporation of America, LabCorp).